The following is an entry in ClinVar:

ClinVar aggregate classification (germline): Uncertain significance (1 of 4 stars; one submission).

Allele frequency attached by ClinVar (database versions not stated): gnomAD 0.00001; gnomAD exomes 0.00001; TOPMed 0.00001.

Submission:

Labcorp Genetics (formerly Invitae), Labcorp
Classification: Uncertain significance. Last evaluated: 2022-03-19. Review status: criteria provided, single submitter. Criteria: Invitae Variant Classification Sherloc (09022015). Collection method: clinical testing. Allele origin: germline.
Comment: This variant is present in population databases (no rsID available, gnomAD 0.003%), including at least one homozygous and/or hemizygous individual. This sequence change replaces glutamic acid, which is acidic and polar, with aspartic acid, which is acidic and polar, at codon 755 of the CLCN4 protein (p.Glu755Asp). This variant has not been reported in the literature in individuals affected with CLCN4-related conditions. ClinVar contains an entry for this variant (Variation ID: 1010116). Algorithms developed to predict the effect of missense changes on protein structure and function (SIFT, PolyPhen-2, Align-GVGD) all suggest that this variant is likely to be tolerated. In summary, the available evidence is currently insufficient to determine the role of this variant in disease. Therefore, it has been classified as a Variant of Uncertain Significance.

NM_001830.4(CLCN4):c.2265A>T (p.Glu755Asp)

Gene: CLCN4 (chloride voltage-gated channel 4; plus strand). Cytogenetic location: Xp22.2.
Variant type: single nucleotide variant.
Coding change: c.2265A>T on transcript NM_001830.4 (MANE Select); coding-DNA position 2265, A replaced by T.
Protein change: p.Glu755Asp; replaces glutamic acid 755 with aspartic acid.
Molecular consequence: missense variant.
Genome position (GRCh38, 1-based): chrX:10,233,566, A>T. VCF-style: chrX-10233566-A-T. GRCh37 (hg19) VCF-style: chrX-10201606-A-T.
Other names: c.1983A>T, p.Glu661Asp (NM_001256944.2); short protein forms E661D, E755D.
Identifiers: ClinVar variation 1010116 (VCV001010116.8), dbSNP rs1235348422, ClinGen allele CA412039323.